The following is an entry in ClinVar:

NM_024580.6(EFL1):c.1529G>A (p.Arg510Gln)

Gene: EFL1 (elongation factor like GTPase 1; minus strand). Cytogenetic location: 15q25.2.
Variant type: single nucleotide variant.
Coding change: c.1529G>A on transcript NM_024580.6 (MANE Select); coding-DNA position 1529, G replaced by A.
Protein change: p.Arg510Gln; replaces arginine 510 with glutamine.
Molecular consequence: missense variant. On other transcripts: non-coding transcript variant (1).
Genome position (GRCh38, 1-based): chr15:82,219,734, C>T on the plus strand (G>A on the coding strand, the complement: EFL1 is on the minus strand). VCF-style: chr15-82219734-C-T. GRCh37 (hg19) VCF-style: chr15-82512075-C-T.
Other names: c.1376G>A, p.Arg459Gln (NM_001040610.3); c.740G>A, p.Arg247Gln (NM_001322844.2); c.1529G>A, p.Arg510Gln (NM_001322845.2); short protein forms R247Q, R459Q, R510Q.
Identifiers: ClinVar variation 2420746 (VCV002420746.4), dbSNP rs777287952, ClinGen allele CA7697952.

ClinVar aggregate classification (germline): Uncertain significance (1 of 4 stars; one submission).

Allele frequency attached by ClinVar (database versions not stated): ExAC 0.00002.
gnomAD v4.1: 8 of 1,614,012 alleles (0.0005%); highest among the groups gnomAD compares: African/African-American, 0.0013%; no homozygotes.

Submission:

Labcorp Genetics (formerly Invitae), Labcorp
Classification: Uncertain significance. Last evaluated: 2025-08-15. Review status: criteria provided, single submitter. Criteria: Invitae Variant Classification Sherloc (09022015). Collection method: clinical testing. Allele origin: germline.
Comment: This sequence change replaces arginine, which is basic and polar, with glutamine, which is neutral and polar, at codon 510 of the EFL1 protein (p.Arg510Gln). This variant is present in population databases (rs777287952, gnomAD 0.01%). This variant has not been reported in the literature in individuals affected with EFL1-related conditions. ClinVar contains an entry for this variant (Variation ID: 2420746). Invitae Evidence Modeling of protein sequence and biophysical properties (such as structural, functional, and spatial information, amino acid conservation, physicochemical variation, residue mobility, and thermodynamic stability) indicates that this missense variant is expected to disrupt EFL1 protein function with a positive predictive value of 80%. In summary, the available evidence is currently insufficient to determine the role of this variant in disease. Therefore, it has been classified as a Variant of Uncertain Significance.